The following is an entry in ClinVar:

NM_001040108.2(MLH3):c.329C>T (p.Ser110Leu)

Gene: MLH3 (mutL homolog 3; minus strand). Cytogenetic location: 14q24.3.
Variant type: single nucleotide variant.
Coding change: c.329C>T on transcript NM_001040108.2 (MANE Select); coding-DNA position 329, C replaced by T.
Protein change: p.Ser110Leu; replaces serine 110 with leucine.
Molecular consequence: missense variant.
Genome position (GRCh38, 1-based): chr14:75,049,327, G>A on the plus strand (C>T on the coding strand, the complement: MLH3 is on the minus strand). VCF-style: chr14-75049327-G-A. GRCh37 (hg19) VCF-style: chr14-75516030-G-A.
Other names: c.329C>T, p.Ser110Leu (NM_014381.3); short protein forms S110L.
Identifiers: ClinVar variation 966749 (VCV000966749.11), dbSNP rs749113408, ClinGen allele CA7276052.

ClinVar aggregate classification (germline): Uncertain significance. Review status: criteria provided, multiple submitters, no conflicts (2 of 4 stars). 2 submissions from 2 submitters: Uncertain significance (2). Last evaluated 2025-12-20.

Conditions:
Colorectal cancer, hereditary nonpolyposis, type 7. Identifiers: Orphanet 144, MedGen C1858380, MONDO:0013725, OMIM 614385.

Allele frequency attached by ClinVar (database versions not stated): gnomAD 0.00001; gnomAD exomes 0.00002 and 0.00007; TOPMed 0.00002; ExAC 0.00004.
gnomAD v4.1: 24 of 1,613,990 alleles (0.0015%); highest among the groups gnomAD compares: Admixed American, 0.027%; no homozygotes.

Submissions (2):

Labcorp Genetics (formerly Invitae), Labcorp
Classification: Uncertain significance for Colorectal cancer, hereditary nonpolyposis, type 7. Last evaluated: 2025-12-20. Review status: criteria provided, single submitter. Criteria: Invitae Variant Classification Sherloc (09022015). Collection method: clinical testing. Allele origin: germline.
Comment: This sequence change replaces serine, which is neutral and polar, with leucine, which is neutral and non-polar, at codon 110 of the MLH3 protein (p.Ser110Leu). This variant is present in population databases (rs749113408, gnomAD 0.04%), and has an allele count higher than expected for a pathogenic variant. This variant has not been reported in the literature in individuals affected with MLH3-related conditions. ClinVar contains an entry for this variant (Variation ID: 966749). An algorithm developed to predict the effect of missense changes on protein structure and function outputs the following: PolyPhen-2: "Benign". The leucine amino acid residue is found in multiple mammalian species, which suggests that this missense change does not adversely affect protein function. In summary, the available evidence is currently insufficient to determine the role of this variant in disease. Therefore, it has been classified as a Variant of Uncertain Significance.

Ambry Genetics
Classification: Uncertain significance. Last evaluated: 2024-12-19. Review status: criteria provided, single submitter. Criteria: Ambry Variant Classification Scheme 2023. Collection method: clinical testing. Allele origin: germline.
Comment: The p.S110L variant (also known as c.329C>T), located in coding exon 1 of the MLH3 gene, results from a C to T substitution at nucleotide position 329. The serine at codon 110 is replaced by leucine, an amino acid with dissimilar properties. This amino acid position is highly conserved in available vertebrate species. In addition, the in silico prediction for this alteration is inconclusive. Since supporting evidence is limited at this time, the clinical significance of this alteration remains unclear.